The following is an entry in ClinVar:

ClinVar aggregate classification (germline): Likely pathogenic (1 of 4 stars; one submission).

Conditions:
Multiple congenital exostosis (EXT). Also called: Hereditary multiple exostoses; Hereditary multiple exostosis; MULTIPLE CARTILAGINOUS EXOSTOSES; Multiple exostoses; Multiple osteochondromas; Hereditary multiple osteochondromas. Identifiers: Orphanet 321, MedGen C0015306, MONDO:0005508, HP:0002762.

Submission:

Labcorp Genetics (formerly Invitae), Labcorp
Classification: Likely pathogenic for Multiple congenital exostosis. Last evaluated: 2023-07-14. Review status: criteria provided, single submitter. Criteria: Invitae Variant Classification Sherloc (09022015). Collection method: clinical testing. Allele origin: germline.
Comment: In summary, the currently available evidence indicates that the variant is pathogenic, but additional data are needed to prove that conclusively. Therefore, this variant has been classified as Likely Pathogenic. Variants that disrupt the consensus splice site are a relatively common cause of aberrant splicing (PMID: 17576681, 9536098). Algorithms developed to predict the effect of sequence changes on RNA splicing suggest that this variant may disrupt the consensus splice site. This variant has been observed in individual(s) with hereditary multiple osteochondromas (PMID: 17589361; Invitae). This variant is not present in population databases (gnomAD no frequency). This sequence change falls in intron 5 of the EXT1 gene. It does not directly change the encoded amino acid sequence of the EXT1 protein. It affects a nucleotide within the consensus splice site.

Literature cited by the submitters: PubMed 17576681; PubMed 9536098; PubMed 17589361.

NM_000127.3(EXT1):c.1417+2dup

Gene: EXT1 (exostosin glycosyltransferase 1; minus strand). Cytogenetic location: 8q24.11.
Variant type: Duplication.
Coding change: c.1417+2dup on transcript NM_000127.3 (MANE Select); the canonical splice donor site of the intron after coding-DNA position 1417, one base duplicated (T; older notation c.1417+2dupT).
Molecular consequence: splice donor variant.
Genome position (GRCh38, 1-based): chr8:117,822,463, A duplicated on the plus strand (T on the coding strand, the reverse complement: EXT1 is on the minus strand). VCF-style (leftmost placement, unchanged base first): chr8-117822462-T-TA. GRCh37 (hg19) VCF-style: chr8-118834701-T-TA.
Identifiers: ClinVar variation 2735202 (VCV002735202.3), dbSNP rs2488113578, ClinGen allele CA2695209989.